The following is an entry in ClinVar:

ClinVar aggregate classification (germline): Uncertain significance (1 of 4 stars; one submission).

Conditions:
Hypertrophic cardiomyopathy. Also called: HYPERTROPHIC MYOCARDIOPATHY. Identifiers: Orphanet 217569, MedGen C0007194, MeSH D002312, MONDO:0005045, HP:0001639.

gnomAD v4.1: 1 of 1,614,100 alleles (0.000062%); highest among the groups gnomAD compares: Non-Finnish European, 0.000085%; no homozygotes.

Submission:

Labcorp Genetics (formerly Invitae), Labcorp
Classification: Uncertain significance for Hypertrophic cardiomyopathy. Last evaluated: 2026-02-03. Review status: criteria provided, single submitter. Criteria: Invitae Variant Classification Sherloc (09022015). Collection method: clinical testing. Allele origin: germline.
Comment: This sequence change replaces asparagine, which is neutral and polar, with lysine, which is basic and polar, at codon 1933 of the MYH7 protein (p.Asn1933Lys). This variant is not present in population databases (gnomAD no frequency). This variant has not been reported in the literature in individuals affected with MYH7-related conditions. Invitae Evidence Modeling of protein sequence and biophysical properties (such as structural, functional, and spatial information, amino acid conservation, physicochemical variation, residue mobility, and thermodynamic stability) indicates that this missense variant is not expected to disrupt MYH7 protein function with a negative predictive value of 95%. In summary, the available evidence is currently insufficient to determine the role of this variant in disease. Therefore, it has been classified as a Variant of Uncertain Significance.

NM_000257.4(MYH7):c.5799T>G (p.Asn1933Lys)

Gene: MYH7 (myosin heavy chain 7; minus strand). Cytogenetic location: 14q11.2.
Variant type: single nucleotide variant.
Coding change: c.5799T>G on transcript NM_000257.4 (MANE Select); coding-DNA position 5799, T replaced by G.
Protein change: p.Asn1933Lys; replaces asparagine 1933 with lysine.
Molecular consequence: missense variant.
Genome position (GRCh38, 1-based): chr14:23,412,863, A>C on the plus strand (T>G on the coding strand, the complement: MYH7 is on the minus strand). VCF-style: chr14-23412863-A-C. GRCh37 (hg19) VCF-style: chr14-23882072-A-C.
Other names: c.5799T>G, p.Asn1933Lys (NM_001407004.1); short protein forms N1933K.
Identifiers: ClinVar variation 4801904 (VCV004801904.1).